The following is an entry in ClinVar:

NM_004369.4(COL6A3):c.6855G>C (p.Gly2285=)

Gene: COL6A3 (collagen type VI alpha 3 chain; minus strand). Cytogenetic location: 2q37.3.
Variant type: single nucleotide variant.
Coding change: c.6855G>C on transcript NM_004369.4 (MANE Select); coding-DNA position 6855, G replaced by C.
Protein change: p.Gly2285=; no amino-acid change (glycine 2285 retained).
Molecular consequence: synonymous variant.
Genome position (GRCh38, 1-based): chr2:237,350,171, C>G on the plus strand (G>C on the coding strand, the complement: COL6A3 is on the minus strand). VCF-style: chr2-237350171-C-G. GRCh37 (hg19) VCF-style: chr2-238258814-C-G.
Other names: p.Gly2285=; c.5034G>C, p.Gly1678= (NM_057166.5); c.6237G>C, p.Gly2079= (NM_057167.4).
Identifiers: ClinVar variation 94968 (VCV000094968.36), dbSNP rs3790993, ClinGen allele CA148000.
Genomic context (GRCh38, chr2:237,350,171, plus strand): 5'-AGCGACAGCCTGACCCCAAGCGCGCTGTGACCTTACCGTCTCCCCACGAGGGCCCCGGTT[C>G]CCGATTCCTCCTTTTGGTCCTGGCTCTCCGGGCTCACCCTAGACATGAGAAACATGGCTG-3'
Protein context (NP_004360.2, residues 2275-2295): PGEPGPKGGI[Gly2285=]NRGPRGETGD

ClinVar aggregate classification (germline): Benign/Likely benign. Review status: criteria provided, multiple submitters, no conflicts (2 of 4 stars). 18 submissions from 16 submitters: Benign (13); Likely benign (1). 4 of the submissions do not count toward it. Last evaluated 2026-02-04.

Conditions:
Dystonia 27 (DYT27). Identifiers: Orphanet 464440, MedGen C4225336, MONDO:0014627, OMIM 616411.
Collagen 6-related myopathy. Identifiers: MedGen CN117976, MONDO:0100225.
Ullrich congenital muscular dystrophy 1A. Also called: Intermediate COL6-RD; Ullrich congenital muscular dystrophy 1. Identifiers: Orphanet 75840, MedGen C0410179, MONDO:0009681, OMIM 254090.
Bethlem myopathy 1A. Also called: MYOPATHY, BENIGN CONGENITAL, WITH CONTRACTURES; Bethlem Muscular Dystrophy; Bethlem myopathy 1. Identifiers: Orphanet 610, MedGen CN029274, MONDO:0024530, OMIM 158810.

Allele frequency attached by ClinVar (database versions not stated): ExAC 0.54892; 1000 Genomes Project 30x 0.55012; TOPMed 0.55195; 1000 Genomes Project 0.55431; ESP Exome Variant Server 0.55890; gnomAD 0.56512.
gnomAD v4.1: 868,461 of 1,613,458 alleles (54%); highest among the groups gnomAD compares: East Asian, 67%; 235,064 homozygotes.

Submissions (18):

Labcorp Genetics (formerly Invitae), Labcorp
Classification: Benign for Bethlem myopathy 1A. Last evaluated: 2026-02-04. Review status: criteria provided, single submitter. Criteria: Invitae Variant Classification Sherloc (09022015). Collection method: clinical testing. Allele origin: germline.

Blueprint Genetics
Classification: Likely benign. Last evaluated: 2024-11-26. Review status: criteria provided, single submitter. Criteria: ACMG Guidelines, 2015. Collection method: clinical testing. Allele origin: germline.

Unidad de Genómica Garrahan, Hospital de Pediatría Garrahan
Classification: Benign. Last evaluated: 2024-07-31. Review status: criteria provided, single submitter. Criteria: ACMG Guidelines, 2015. Collection method: clinical testing. Allele origin: germline. Affected: no. Observed: 66 variant alleles.
Comment: This variant is classified as Benign based on local population frequency. This variant was detected in 71% of patients studied in a panel designed for Epileptic and Developmental Encephalopathy, Progressive Myoclonus Epilepsy and Abnormal Movements and Neurodegeneration with brain iron accumulation. Number of patients: 66. Only high quality variants are reported.

Genome-Nilou Lab
Classification: Benign for Bethlem myopathy 1A. Last evaluated: 2021-07-30. Review status: criteria provided, single submitter. Criteria: ACMG Guidelines, 2015. Collection method: clinical testing. Allele origin: germline. Affected: no.

Genome-Nilou Lab
Classification: Benign for Dystonia 27. Last evaluated: 2021-07-30. Review status: criteria provided, single submitter. Criteria: ACMG Guidelines, 2015. Collection method: clinical testing. Allele origin: germline. Affected: no.

Genome-Nilou Lab
Classification: Benign for Ullrich congenital muscular dystrophy 1A. Last evaluated: 2021-07-30. Review status: criteria provided, single submitter. Criteria: ACMG Guidelines, 2015. Collection method: clinical testing. Allele origin: germline. Affected: no.

Athena Diagnostics
Classification: Benign. Last evaluated: 2021-06-25. Review status: criteria provided, single submitter. Criteria: Athena Diagnostics Criteria. Collection method: clinical testing. Allele origin: unknown.

Eurofins Ntd Llc (ga)
Classification: Benign. Last evaluated: 2018-04-27. Review status: criteria provided, single submitter. Criteria: EGL ClinVar v180209 classification definitions. Collection method: clinical testing. Allele origin: germline. Observed: 74 variant alleles, 46 heterozygotes, 28 homozygotes.

Illumina Laboratory Services, Illumina
Classification: Benign for Collagen VI-related myopathy. Last evaluated: 2018-01-12. Review status: criteria provided, single submitter. Criteria: ICSL Variant Classification Criteria 13 December 2019. Collection method: clinical testing. Allele origin: germline.
Comment: This variant was observed in the ICSL laboratory as part of a predisposition screen in an ostensibly healthy population. It had not been previously curated by ICSL or reported in the Human Gene Mutation Database (HGMD: prior to June 1st, 2018), and was therefore a candidate for classification through an automated scoring system. Utilizing variant allele frequency, disease prevalence and penetrance estimates, and inheritance mode, an automated score was calculated to assess if this variant is too frequent to cause the disease. Based on the score and internal cut-off values, a variant classified as benign is not then subjected to further curation. The score for this variant resulted in a classification of benign for this disease.

Mayo Clinic Laboratories, Mayo Clinic
Classification: Benign. Last evaluated: 2017-07-12. Review status: criteria provided, single submitter. Criteria: ACMG Guidelines, 2015. Collection method: clinical testing. Allele origin: germline. Observed: 606 variant alleles.

GeneDx
Classification: Benign. Last evaluated: 2016-01-25. Review status: criteria provided, single submitter. Criteria: GeneDx Variant Classification (06012015). Collection method: clinical testing. Allele origin: germline. Affected: yes.
Comment: This variant is considered likely benign or benign based on one or more of the following criteria: it is a conservative change, it occurs at a poorly conserved position in the protein, it is predicted to be benign by multiple in silico algorithms, and/or has population frequency not consistent with disease.

Genetic Services Laboratory, University of Chicago
Classification: Benign for AllHighlyPenetrant. Last evaluated: 2013-08-15. Review status: criteria provided, single submitter. Criteria: ACMG Guidelines, 2007. Collection method: clinical testing. Allele origin: germline.

Breakthrough Genomics
Classification: Benign. Review status: criteria provided, single submitter. Criteria: ACMG Guidelines, 2015. Collection method: not provided. Allele origin: germline. Inheritance: Autosomal recessive inheritance. Affected: yes.

PreventionGenetics, part of Exact Sciences
Classification: Benign. Review status: criteria provided, single submitter. Criteria: ACMG Guidelines, 2015. Collection method: clinical testing. Allele origin: germline.

Clinical Genetics, Academic Medical Center
Classification: Benign. Review status: no assertion criteria provided. Collection method: clinical testing. Allele origin: germline. Affected: yes. Study: VKGL Data-share Consensus. Not counted in ClinVar's aggregate classification.

Diagnostic Laboratory, Department of Genetics, University Medical Center Groningen
Classification: Benign. Review status: no assertion criteria provided. Collection method: clinical testing. Allele origin: germline. Affected: yes. Study: VKGL Data-share Consensus. Not counted in ClinVar's aggregate classification.

Genome Diagnostics Laboratory, University Medical Center Utrecht
Classification: Benign. Review status: no assertion criteria provided. Collection method: clinical testing. Allele origin: germline. Affected: yes. Study: VKGL Data-share Consensus. Not counted in ClinVar's aggregate classification.

Joint Genome Diagnostic Labs from Nijmegen and Maastricht, Radboudumc and MUMC+
Classification: Benign. Review status: no assertion criteria provided. Collection method: clinical testing. Allele origin: germline. Affected: yes. Study: VKGL Data-share Consensus. Not counted in ClinVar's aggregate classification.